The following is an entry in ClinVar:

ClinVar aggregate classification (germline): Uncertain significance (1 of 4 stars; one submission).

Submission:

Ambry Genetics
Classification: Uncertain significance. Last evaluated: 2023-03-27. Review status: criteria provided, single submitter. Criteria: Ambry Variant Classification Scheme 2023. Collection method: clinical testing. Allele origin: germline.
Comment: The p.K1727N variant (also known as c.5181G>C), located in coding exon 45 of the KIF1B gene, results from a G to C substitution at nucleotide position 5181. The lysine at codon 1727 is replaced by asparagine, an amino acid with similar properties. This amino acid position is well conserved in available vertebrate species. In addition, this alteration is predicted to be tolerated by in silico analysis. The evidence for this gene-disease relationship is limited; therefore, the clinical significance of this alteration is unclear.

NM_001365951.3(KIF1B):c.5319G>C (p.Lys1773Asn)

Gene: KIF1B (kinesin family member 1B; plus strand). Cytogenetic location: 1p36.22.
Variant type: single nucleotide variant.
Coding change: c.5319G>C on transcript NM_001365951.3 (MANE Select); coding-DNA position 5319, G replaced by C.
Protein change: p.Lys1773Asn; replaces lysine 1773 with asparagine.
Molecular consequence: missense variant.
Genome position (GRCh38, 1-based): chr1:10,375,284, G>C. VCF-style: chr1-10375284-G-C. GRCh37 (hg19) VCF-style: chr1-10435342-G-C.
Other names: c.5319G>C, p.Lys1773Asn (NM_001365952.1); c.5181G>C, p.Lys1727Asn (NM_015074.3); short protein forms K1773N, K1727N.
Identifiers: ClinVar variation 2563585 (VCV002563585.2), dbSNP rs2521986258, ClinGen allele CA338331742.